The following is an entry in ClinVar:

ClinVar aggregate classification (germline): Uncertain significance (1 of 4 stars; one submission).

Conditions:
Joubert syndrome. Also called: CEREBELLOPARENCHYMAL DISORDER IV; JOUBERT-BOLTSHAUSER SYNDROME; Familial aplasia of the vermis. Identifiers: Orphanet 475, MedGen C5979921, MONDO:0018772.
Meckel-Gruber syndrome. Also called: DYSENCEPHALIA SPLANCHNOCYSTICA; GRUBER SYNDROME; Dysencephalia splachnocystica. Identifiers: Orphanet 564, MedGen C0265215, MONDO:0018921.

Allele frequency attached by ClinVar (database versions not stated): TOPMed 0.00001.

Submission:

Labcorp Genetics (formerly Invitae), Labcorp
Classification: Uncertain significance for Joubert syndrome; Meckel-Gruber syndrome. Last evaluated: 2022-10-13. Review status: criteria provided, single submitter. Criteria: Invitae Variant Classification Sherloc (09022015). Collection method: clinical testing. Allele origin: germline.
Comment: This sequence change replaces cysteine, which is neutral and slightly polar, with phenylalanine, which is neutral and non-polar, at codon 358 of the MKS1 protein (p.Cys358Phe). This variant is not present in population databases (gnomAD no frequency). This variant has not been reported in the literature in individuals affected with MKS1-related conditions. Advanced modeling of protein sequence and biophysical properties (such as structural, functional, and spatial information, amino acid conservation, physicochemical variation, residue mobility, and thermodynamic stability) performed at Invitae indicates that this missense variant is expected to disrupt MKS1 protein function. In summary, the available evidence is currently insufficient to determine the role of this variant in disease. Therefore, it has been classified as a Variant of Uncertain Significance.

NM_017777.4(MKS1):c.1073G>T (p.Cys358Phe)

Gene: MKS1 (MKS transition zone complex subunit 1; minus strand). Cytogenetic location: 17q22.
Variant type: single nucleotide variant.
Coding change: c.1073G>T on transcript NM_017777.4 (MANE Select); coding-DNA position 1073, G replaced by T.
Protein change: p.Cys358Phe; replaces cysteine 358 with phenylalanine.
Molecular consequence: missense variant.
Genome position (GRCh38, 1-based): chr17:58,208,535, C>A on the plus strand (G>T on the coding strand, the complement: MKS1 is on the minus strand). VCF-style: chr17-58208535-C-A. GRCh37 (hg19) VCF-style: chr17-56285896-C-A.
Other names: c.464G>T, p.Cys155Phe (NM_001321268.2); c.1073G>T, p.Cys358Phe (NM_001321269.2, NM_001330397.2, NM_001411113.1); short protein forms C155F, C358F.
Identifiers: ClinVar variation 2077175 (VCV002077175.4), dbSNP rs1771224248, ClinGen allele CA400325824.